The following is an entry in ClinVar:

ClinVar aggregate classification (germline): Uncertain significance (1 of 4 stars; one submission).

Submission:

GeneDx
Classification: Uncertain significance. Last evaluated: 2026-01-22. Review status: criteria provided, single submitter. Criteria: GeneDx Variant Classification Process June 2021. Collection method: clinical testing. Allele origin: germline.
Comment: In silico analysis supports that this missense variant has a deleterious effect on protein structure/function; Has not been previously published as pathogenic or benign to our knowledge

NM_005215.4(DCC):c.632G>A (p.Arg211Gln)

Gene: DCC (DCC netrin 1 receptor; plus strand). Cytogenetic location: 18q21.2.
Variant type: single nucleotide variant.
Coding change: c.632G>A on transcript NM_005215.4 (MANE Select); coding-DNA position 632, G replaced by A.
Protein change: p.Arg211Gln; replaces arginine 211 with glutamine.
Molecular consequence: missense variant.
Genome position (GRCh38, 1-based): chr18:52,906,263, G>A. VCF-style: chr18-52906263-G-A. GRCh37 (hg19) VCF-style: chr18-50432633-G-A.
Other names: short protein forms R211Q.
Identifiers: ClinVar variation 4975120 (VCV004975120.1).